The following is an entry in ClinVar:

NM_001843.4(CNTN1):c.2788G>T (p.Ala930Ser)

Gene: CNTN1 (contactin 1; plus strand). Cytogenetic location: 12q12.
Variant type: single nucleotide variant.
Coding change: c.2788G>T on transcript NM_001843.4 (MANE Select); coding-DNA position 2788, G replaced by T.
Protein change: p.Ala930Ser; replaces alanine 930 with serine.
Molecular consequence: missense variant.
Genome position (GRCh38, 1-based): chr12:41,027,934, G>T. VCF-style: chr12-41027934-G-T. GRCh37 (hg19) VCF-style: chr12-41421736-G-T.
Other names: c.2788G>T (NM_001843.2); c.2755G>T, p.Ala919Ser (NM_175038.2); short protein forms A919S, A930S.
Identifiers: ClinVar variation 847484 (VCV000847484.9), dbSNP rs756665946, ClinGen allele CA6517236.

ClinVar aggregate classification (germline): Uncertain significance. Review status: criteria provided, multiple submitters, no conflicts (2 of 4 stars). 2 submissions from 2 submitters: Uncertain significance (2). Last evaluated 2025-11-02.

Conditions:
Inborn genetic diseases. Identifiers: MedGen C0950123, MeSH D030342.
Compton-North congenital myopathy (CMYO12). Identifiers: Orphanet 210163, MedGen C2675527, MONDO:0012929, OMIM 612540.

Allele frequency attached by ClinVar (database versions not stated): gnomAD exomes 0.00001 and 0.00003; ExAC 0.00002; TOPMed 0.00005.
gnomAD v4.1: 12 of 1,612,188 alleles (0.00074%); highest among the groups gnomAD compares: Admixed American, 0.017%; no homozygotes.

Submissions (2):

Ambry Genetics
Classification: Uncertain significance for Inborn genetic diseases. Last evaluated: 2025-11-02. Review status: criteria provided, single submitter. Criteria: Ambry Variant Classification Scheme 2023. Collection method: clinical testing. Allele origin: germline.

Labcorp Genetics (formerly Invitae), Labcorp
Classification: Uncertain significance for Compton-North congenital myopathy. Last evaluated: 2022-11-15. Review status: criteria provided, single submitter. Criteria: Invitae Variant Classification Sherloc (09022015). Collection method: clinical testing. Allele origin: germline.
Comment: In summary, the available evidence is currently insufficient to determine the role of this variant in disease. Therefore, it has been classified as a Variant of Uncertain Significance. Advanced modeling of protein sequence and biophysical properties (such as structural, functional, and spatial information, amino acid conservation, physicochemical variation, residue mobility, and thermodynamic stability) performed at Invitae indicates that this missense variant is not expected to disrupt CNTN1 protein function. ClinVar contains an entry for this variant (Variation ID: 847484). This variant has not been reported in the literature in individuals affected with CNTN1-related conditions. This variant is present in population databases (rs756665946, gnomAD 0.01%). This sequence change replaces alanine, which is neutral and non-polar, with serine, which is neutral and polar, at codon 930 of the CNTN1 protein (p.Ala930Ser).